The following is an entry in ClinVar:

NM_001348768.2(HECW2):c.3280A>G (p.Ile1094Val)

Gene: HECW2 (HECT, C2 and WW domain containing E3 ubiquitin protein ligase 2; minus strand). Cytogenetic location: 2q32.3.
Variant type: single nucleotide variant.
Coding change: c.3280A>G on transcript NM_001348768.2 (MANE Select); coding-DNA position 3280, A replaced by G.
Protein change: p.Ile1094Val; replaces isoleucine 1094 with valine.
Molecular consequence: missense variant.
Genome position (GRCh38, 1-based): chr2:196,271,248, T>C on the plus strand (A>G on the coding strand, the complement: HECW2 is on the minus strand). VCF-style: chr2-196271248-T-C. GRCh37 (hg19) VCF-style: chr2-197135972-T-C.
Other names: c.3280A>G (NM_020760.1); c.2212A>G, p.Ile738Val (NM_001304840.3); c.3280A>G, p.Ile1094Val (NM_020760.4); short protein forms I1094V, I738V.
Identifiers: ClinVar variation 3731377 (VCV003731377.2).
Genomic context (GRCh38, chr2:196,271,248, plus strand): 5'-GTTACCTGAGTGAGTGATTCCTGGTAAGATCAGGTTGACGCTCCTGTAGAATTTCAAAGA[T>C]ATTGGGTTGACGTAGAAATGCAACAATCTTGTCATTGTAAGCTGAAAAAAAAATCAGAAA-3'
Protein context (NP_001335697.1, residues 1084-1104): KIVAFLRQPN[Ile1094Val]FEILQERQPD

ClinVar aggregate classification (germline): Conflicting classifications of pathogenicity. Review status: criteria provided, conflicting classifications (1 of 4 stars). 2 submissions from 2 submitters: Uncertain significance (1); Likely benign (1). Last evaluated 2025-06-17.

Conditions:
Inborn genetic diseases. Identifiers: MedGen C0950123, MeSH D030342.
Neurodevelopmental disorder with hypotonia, seizures, and absent language (NDHSAL). Identifiers: MedGen C4310643, MONDO:0014995, OMIM 617268.

gnomAD v4.1: 8 of 1,612,108 alleles (0.0005%); highest among the groups gnomAD compares: South Asian, 0.0044%; no homozygotes.

Submissions (2):

Ambry Genetics
Classification: Likely benign for Inborn genetic diseases. Last evaluated: 2025-06-17. Review status: criteria provided, single submitter. Criteria: Ambry Variant Classification Scheme 2023. Collection method: clinical testing. Allele origin: germline.

Neuberg Centre For Genomic Medicine, NCGM
Classification: Uncertain significance for Neurodevelopmental disorder with hypotonia, seizures, and absent language. Last evaluated: 2023-06-22. Review status: criteria provided, single submitter. Criteria: ACMG Guidelines, 2015. Collection method: clinical testing. Allele origin: germline. Inheritance: Autosomal dominant inheritance. Affected: yes.
Comment: The missense c.3280A>G(p.Ile1094Val) variant in HECW2 gene has not been reported previously as a pathogenic variant nor as a benign variant, to our knowledge. The p.Ile1094Val variant is present with allele frequency of 0.002% in gnomAD Exomes. This variant has not been submitted to the ClinVar database. Multiple lines of computational evidences (Polyphen - Possibly damaging, SIFT - Damaging and MutationTaster - Disease causing) predict a damaging effect on protein structure and function for this variant. The reference amino acid at this position on HECW2 gene is predicted as conserved by GERP++ and PhyloP across 100 vertebrates. The amino acid Ile at position 1094 is changed to a Val changing protein sequence and it might alter its composition and physico-chemical properties. For these reasons, this variant has been classified as a Variant of Uncertain Significance (VUS).